The following is an entry in ClinVar:

ClinVar aggregate classification (germline): Conflicting classifications of pathogenicity. Review status: criteria provided, conflicting classifications (1 of 4 stars). 6 submissions from 6 submitters: Uncertain significance (1); Benign (1); Likely benign (4). Last evaluated 2025-10-13.

Conditions:
Lynch syndrome. Identifiers: Orphanet 144, MedGen C4552100, MONDO:0005835. Disease mechanism: loss of function.
Lynch syndrome 5 (LYNCH5). Also called: Colorectal cancer, hereditary nonpolyposis, type 5; Hereditary non-polyposis colorectal cancer, type 5. Identifiers: Orphanet 144, MedGen C1833477, MONDO:0013710, OMIM 614350. Disease mechanism: loss of function.
Hereditary nonpolyposis colorectal neoplasms. Identifiers: MedGen C0009405, MeSH D003123.
Hereditary cancer-predisposing syndrome. Also called: Hereditary Cancer Syndrome; Neoplastic Syndromes, Hereditary; Tumor predisposition; Hereditary neoplastic syndrome. Identifiers: Orphanet 140162, MedGen C0027672, MeSH D009386, MONDO:0015356.

Allele frequency attached by ClinVar (database versions not stated): gnomAD exomes 0.00001 and 0.00002; TOPMed 0.00001; ExAC 0.00002; gnomAD 0.00002.
gnomAD v4.1: 17 of 1,603,192 alleles (0.0011%); highest among the groups gnomAD compares: South Asian, 0.0011%; no homozygotes.

Submissions (6):

Labcorp Genetics (formerly Invitae), Labcorp
Classification: Likely benign for Hereditary nonpolyposis colorectal neoplasms. Last evaluated: 2025-10-13. Review status: criteria provided, single submitter. Criteria: Invitae Variant Classification Sherloc (09022015). Collection method: clinical testing. Allele origin: germline.

Myriad Genetics, Inc.
Classification: Benign for Lynch syndrome 5. Last evaluated: 2025-01-07. Review status: criteria provided, single submitter. Criteria: Myriad Autosomal Dominant, Autosomal Recessive and X-Linked Classification Criteria (2023). Collection method: clinical testing. Allele origin: unknown.
Comment: This variant is considered benign. This variant is a silent/synonymous amino acid change and it is not expected to impact splicing.

All of Us Research Program, National Institutes of Health
Classification: Likely benign for Lynch syndrome. Last evaluated: 2024-07-10. Review status: criteria provided, single submitter. Criteria: ACMG Guidelines, 2015. Collection method: clinical testing. Allele origin: germline. Inheritance: Autosomal dominant inheritance. Observed: 3 variant alleles, 3 heterozygotes.
Comment: This study involves interpretation of variants in research participants for the purpose of population health screening. Participant phenotype was not available at the time of variant classification. Additional details can be found in publication PMID: 35346344, PMCID: PMC8962531

Illumina Laboratory Services, Illumina
Classification: Uncertain significance for Lynch syndrome 5. Last evaluated: 2017-04-27. Review status: criteria provided, single submitter. Criteria: ICSL Variant Classification Criteria 13 December 2019. Collection method: clinical testing. Allele origin: germline.

Color Diagnostics, LLC DBA Color Health
Classification: Likely benign for Hereditary cancer-predisposing syndrome. Last evaluated: 2017-03-29. Review status: criteria provided, single submitter. Criteria: ACMG Guidelines, 2015. Collection method: clinical testing. Allele origin: germline.

Ambry Genetics
Classification: Likely benign for Hereditary cancer-predisposing syndrome. Last evaluated: 2015-03-25. Review status: criteria provided, single submitter. Criteria: Ambry Variant Classification Scheme 2023. Collection method: clinical testing. Allele origin: germline.

NM_000179.3(MSH6):c.3642A>G (p.Glu1214=)

Gene: MSH6 (mutS homolog 6; plus strand). Cytogenetic location: 2p16.3.
Variant type: single nucleotide variant.
Coding change: c.3642A>G on transcript NM_000179.3 (MANE Select); coding-DNA position 3642, A replaced by G.
Protein change: p.Glu1214=; no amino-acid change (glutamic acid 1214 retained).
Molecular consequence: synonymous variant.
Genome position (GRCh38, 1-based): chr2:47,805,703, A>G. VCF-style: chr2-47805703-A-G. GRCh37 (hg19) VCF-style: chr2-48032842-A-G.
Other names: c.3252A>G, p.Glu1084= (NM_001281492.2); c.2736A>G, p.Glu912= (NM_001281493.2, NM_001281494.2).
Identifiers: ClinVar variation 479861 (VCV000479861.24), dbSNP rs765247025, ClinGen allele CA071543.
Genomic context (GRCh38, chr2:47,805,703, plus strand): 5'-AAGTGAAACTGCCAGCATACTCATGCATGCAACAGCACATTCTCTGGTGCTTGTGGATGA[A>G]TTAGGTAAGACATTAAACTTCTCATTTGAAGACTATCTATCTTAAAAACATTTGTACAAA-3'
Protein context (NP_000170.1, residues 1204-1224): ATAHSLVLVD[Glu1214=]LGRGTATFDG